The following is an entry in ClinVar:

ClinVar aggregate classification (germline): Uncertain significance. Review status: criteria provided, multiple submitters, no conflicts (2 of 4 stars). 2 submissions from 2 submitters: Uncertain significance (2). Last evaluated 2025-05-25.

Conditions:
Inborn genetic diseases. Identifiers: MedGen C0950123, MeSH D030342.

Allele frequency attached by ClinVar (database versions not stated): TOPMed 0.00004; gnomAD 0.00001.
gnomAD v4.1: 4 of 1,613,382 alleles (0.00025%); highest among the groups gnomAD compares: Admixed American, 0.005%; no homozygotes.

Submissions (2):

Ambry Genetics
Classification: Uncertain significance for Inborn genetic diseases. Last evaluated: 2025-05-25. Review status: criteria provided, single submitter. Criteria: Ambry Variant Classification Scheme 2023. Collection method: clinical testing. Allele origin: germline.

Labcorp Genetics (formerly Invitae), Labcorp
Classification: Uncertain significance. Last evaluated: 2022-06-10. Review status: criteria provided, single submitter. Criteria: Invitae Variant Classification Sherloc (09022015). Collection method: clinical testing. Allele origin: germline.
Comment: This sequence change replaces serine, which is neutral and polar, with isoleucine, which is neutral and non-polar, at codon 307 of the NBAS protein (p.Ser307Ile). This variant is present in population databases (no rsID available, gnomAD 0.006%). This variant has not been reported in the literature in individuals affected with NBAS-related conditions. Algorithms developed to predict the effect of missense changes on protein structure and function (SIFT, PolyPhen-2, Align-GVGD) all suggest that this variant is likely to be disruptive. In summary, the available evidence is currently insufficient to determine the role of this variant in disease. Therefore, it has been classified as a Variant of Uncertain Significance.

NM_015909.4(NBAS):c.920G>T (p.Ser307Ile)

Gene: NBAS (NBAS subunit of NRZ tethering complex; minus strand). Cytogenetic location: 2p24.3.
Variant type: single nucleotide variant.
Coding change: c.920G>T on transcript NM_015909.4 (MANE Select); coding-DNA position 920, G replaced by T.
Protein change: p.Ser307Ile; replaces serine 307 with isoleucine.
Molecular consequence: missense variant. On other transcripts: non-coding transcript variant (1).
Genome position (GRCh38, 1-based): chr2:15,504,179, C>A on the plus strand (G>T on the coding strand, the complement: NBAS is on the minus strand). VCF-style: chr2-15504179-C-A. GRCh37 (hg19) VCF-style: chr2-15644303-C-A.
Other names: c.920G>T (NM_015909.2); short protein forms S307I.
Identifiers: ClinVar variation 1396262 (VCV001396262.5), dbSNP rs760087517, ClinGen allele CA42643159.